The following is an entry in ClinVar:

ClinVar aggregate classification (germline): Uncertain significance (1 of 4 stars; one submission).

Conditions:
Joubert syndrome. Also called: CEREBELLOPARENCHYMAL DISORDER IV; JOUBERT-BOLTSHAUSER SYNDROME; Familial aplasia of the vermis. Identifiers: Orphanet 475, MedGen C5979921, MONDO:0018772.

Allele frequency attached by ClinVar (database versions not stated): gnomAD exomes below 0.00001.
gnomAD v4.1: 1 of 1,599,040 alleles (0.000063%); highest among the groups gnomAD compares: Non-Finnish European, 0.000086%; no homozygotes.

Submission:

Labcorp Genetics (formerly Invitae), Labcorp
Classification: Uncertain significance for Joubert syndrome. Last evaluated: 2022-10-21. Review status: criteria provided, single submitter. Criteria: Invitae Variant Classification Sherloc (09022015). Collection method: clinical testing. Allele origin: germline.
Comment: Algorithms developed to predict the effect of sequence changes on RNA splicing suggest that this variant may create or strengthen a splice site. This sequence change falls in intron 7 of the INPP5E gene. It does not directly change the encoded amino acid sequence of the INPP5E protein. This variant is not present in population databases (gnomAD no frequency). This variant has not been reported in the literature in individuals affected with INPP5E-related conditions. In summary, the available evidence is currently insufficient to determine the role of this variant in disease. Therefore, it has been classified as a Variant of Uncertain Significance.

NM_019892.6(INPP5E):c.1550-5G>A

Gene: INPP5E (inositol polyphosphate-5-phosphatase E; minus strand). Cytogenetic location: 9q34.3.
Variant type: single nucleotide variant.
Coding change: c.1550-5G>A on transcript NM_019892.6 (MANE Select); 5 bases into the intron before coding-DNA position 1550, G replaced by A.
Molecular consequence: intron variant.
Genome position (GRCh38, 1-based): chr9:136,431,122, C>T on the plus strand (G>A on the coding strand, the complement: INPP5E is on the minus strand). VCF-style: chr9-136431122-C-T. GRCh37 (hg19) VCF-style: chr9-139325574-C-T.
Other names: c.1547-5G>A (NM_001318502.2).
Identifiers: ClinVar variation 2024617 (VCV002024617.4), dbSNP rs2538872487, ClinGen allele CA2580081239.